The following is an entry in ClinVar:

ClinVar aggregate classification (germline): Uncertain significance (1 of 4 stars; one submission).

Submission:

Women's Health and Genetics/Laboratory Corporation of America, LabCorp
Classification: Uncertain significance. Last evaluated: 2026-04-28. Review status: criteria provided, single submitter. Criteria: LabCorp Variant Classification Summary - May 2015. Collection method: clinical testing. Allele origin: germline.
Comment: Variant summary: The variant involves the duplication of exons 1-19 in the ADAM17 gene. A presumed nomenclature of c.(?_-226)_(*1692_?)dup has been designated for the purposes of this classification. This duplication includes the entire coding sequence of the gene. As exact breakpoints are unknown, it may extend beyond the annotated region of the gene, to include other flanking genes. The variant was absent in 21692 control chromosomes (gnomAD SV). The available data on variant occurrences in the general population are insufficient to allow any conclusion about variant significance. To our knowledge, no occurrence of c.(?_-226)_(*1692_?)dup in individuals affected with ADAM17-related conditions and no experimental evidence demonstrating its impact on protein function have been reported. No submitters have cited clinical-significance assessments for this variant to ClinVar. Based on the evidence outlined above, the variant was classified as uncertain significance.

NC_000002.11:g.(?_9628614)_(9695960_?)dup

Gene: ADAM17 (ADAM metallopeptidase domain 17; minus strand). Cytogenetic location: 2p25.1.
Variant type: Duplication.
Identifiers: ClinVar variation 4848563 (VCV004848563.1).